The following is an entry in ClinVar:

ClinVar aggregate classification (germline): Likely pathogenic. Review status: criteria provided, multiple submitters, no conflicts (2 of 4 stars). 2 submissions from 2 submitters: Likely pathogenic (2). Last evaluated 2025-05-20.

Conditions:
Dilated cardiomyopathy 1G (CMD1G). Identifiers: Orphanet 154, MedGen C1858763, MONDO:0011400, OMIM 604145.

Submissions (2):

Variantyx, Inc.
Classification: Likely pathogenic for Dilated cardiomyopathy 1G. Last evaluated: 2025-05-20. Review status: criteria provided, single submitter. Criteria: Variantyx Assertion Criteria 2022. Collection method: clinical testing. Allele origin: germline. Inheritance: Autosomal dominant inheritance. Affected: yes.
Comment: This is a frameshift variant in the TTN gene (OMIM: 188840). Pathogenic variants in this gene have been associated with autosomal dominant dilated cardiomyopathy 1G. This variant introduces a premature termination codon in exon 262 out of 363, which is located within the A-band of titin. Truncating variants in this region are significantly overrepresented in patients affected with dilated cardiomyopathy (PMID: 25589632) (PVS1). This variant is absent from control populations (PM2), and it has been reported in the heterozygous state in at least one unrelated affected individuals (PMID:30536954). Based on the current evidence, this variant is classified as likely pathogenic for autosomal dominant dilated cardiomyopathy 1G.

Revvity Omics, Revvity
Classification: Likely pathogenic. Last evaluated: 2024-06-05. Review status: criteria provided, single submitter. Criteria: ACMG Guidelines, 2015. Collection method: clinical testing. Allele origin: germline.

Literature cited by the submitters: PubMed 25589632 (cited by Variantyx, Inc.); PubMed 30536954 (cited by Variantyx, Inc.).

NM_001267550.2(TTN):c.49184del (p.Ser16395fs)

Genes: TTN (titin; minus strand), TTN-AS1 (TTN antisense RNA 1; plus strand), LOC126806426 (BRD4-independent group 4 enhancer GRCh37_chr2:179478848-179480047; plus strand). Cytogenetic location: 2q31.2.
Variant type: Deletion.
Coding change: c.49184del on transcript NM_001267550.2 (MANE Select); coding-DNA position 49184, one base deleted (G; older notation c.49184delG).
Protein change: p.Ser16395fs; shifts the reading frame from serine 16395.
Molecular consequence: frameshift variant. On other transcripts: non-coding transcript variant (1).
Genome position (GRCh38, 1-based): chr2:178,614,213, C deleted on the plus strand (G on the coding strand, the reverse complement: TTN is on the minus strand). VCF-style (leftmost placement, unchanged base first): chr2-178614212-AC-A. GRCh37 (hg19) VCF-style: chr2-179478939-AC-A.
Other names: c.44261del, p.Ser14754fs (NM_001256850.1); c.21989del, p.Ser7330fs (NM_003319.4); c.41480del, p.Ser13827fs (NM_133378.4); c.22364del, p.Ser7455fs (NM_133432.3); c.22565del, p.Ser7522fs (NM_133437.4); short protein forms S13827fs, S14754fs, S16395fs, S7330fs, S7455fs, S7522fs.
Identifiers: ClinVar variation 4077719 (VCV004077719.2).
Genomic context (GRCh38, chr2:178,614,212, plus strand): 5'-TAATTTGGTGGCCTTGAAGTTTGTATCCTTGACGGTGGATGAGAGCTTGTGCCACACTTC[AC>A]TATCAGTTGCTCGTCTCTCCACAACATAGTTTGTGATCTTAGATCCACCATCATCGCGTG-3'